The following is an entry in ClinVar:

ClinVar aggregate classification (germline): Uncertain significance. Review status: criteria provided, multiple submitters, no conflicts (2 of 4 stars). 2 submissions from 2 submitters: Uncertain significance (2). Last evaluated 2023-11-30.

Conditions:
Cardiomyopathy (CMYO). Also called: Cardiomyopathies. Identifiers: Orphanet 167848, MedGen C0878544, MONDO:0004994, HP:0001638. Inheritance: Various modes of inheritance.
Hypertrophic cardiomyopathy. Also called: HYPERTROPHIC MYOCARDIOPATHY. Identifiers: Orphanet 217569, MedGen C0007194, MeSH D002312, MONDO:0005045, HP:0001639.

Allele frequency attached by ClinVar (database versions not stated): gnomAD exomes below 0.00001.

Submissions (2):

All of Us Research Program, National Institutes of Health
Classification: Uncertain significance for Cardiomyopathy. Last evaluated: 2023-11-30. Review status: criteria provided, single submitter. Criteria: ACMG Guidelines, 2015. Collection method: clinical testing. Allele origin: germline. Inheritance: Autosomal dominant inheritance. Observed: 1 variant allele, 1 heterozygote.
Comment: This study involves interpretation of variants in research participants for the purpose of population health screening. Participant phenotype was not available at the time of variant classification. Additional details can be found in publication PMID: 35346344, PMCID: PMC8962531

Labcorp Genetics (formerly Invitae), Labcorp
Classification: Uncertain significance for Hypertrophic cardiomyopathy. Last evaluated: 2022-07-18. Review status: criteria provided, single submitter. Criteria: Invitae Variant Classification Sherloc (09022015). Collection method: clinical testing. Allele origin: germline.
Comment: In summary, the available evidence is currently insufficient to determine the role of this variant in disease. Therefore, it has been classified as a Variant of Uncertain Significance. Algorithms developed to predict the effect of sequence changes on RNA splicing suggest that this variant may create or strengthen a splice site. ClinVar contains an entry for this variant (Variation ID: 579879). This premature translational stop signal has been observed in individual(s) with anthracycline-associated cardiomyopathy or noncompaction cardiomyopathy (PMID: 25332820, 29447731). This variant is not present in population databases (gnomAD no frequency). This sequence change creates a premature translational stop signal (p.Tyr1375*) in the MYH7 gene. It is expected to result in an absent or disrupted protein product. However, the current clinical and genetic evidence is not sufficient to establish whether loss-of-function variants in MYH7 cause disease.

Literature cited by the submitters: PubMed 25332820 (cited by Labcorp Genetics (formerly Invitae), Labcorp); PubMed 29447731 (cited by Labcorp Genetics (formerly Invitae), Labcorp).

NM_000257.4(MYH7):c.4125T>A (p.Tyr1375Ter)

Gene: MYH7 (myosin heavy chain 7; minus strand). Cytogenetic location: 14q11.2.
Variant type: single nucleotide variant.
Coding change: c.4125T>A on transcript NM_000257.4 (MANE Select); coding-DNA position 4125, T replaced by A.
Protein change: p.Tyr1375Ter; replaces tyrosine 1375 with a stop codon.
Molecular consequence: nonsense.
Genome position (GRCh38, 1-based): chr14:23,418,254, A>T on the plus strand (T>A on the coding strand, the complement: MYH7 is on the minus strand). VCF-style: chr14-23418254-A-T. GRCh37 (hg19) VCF-style: chr14-23887463-A-T.
Other names: short protein forms Y1375*.
Identifiers: ClinVar variation 579879 (VCV000579879.7), dbSNP rs1566526148, ClinGen allele CA389040855.